The following is an entry in ClinVar:

ClinVar aggregate classification (germline): Uncertain significance. Review status: criteria provided, multiple submitters, no conflicts (2 of 4 stars). 3 submissions from 3 submitters: Uncertain significance (3). Last evaluated 2025-03-04.

Conditions:
Hereditary cancer-predisposing syndrome. Also called: Hereditary Cancer Syndrome; Tumor predisposition; Neoplastic Syndromes, Hereditary; Hereditary neoplastic syndrome. Identifiers: Orphanet 140162, MedGen C0027672, MeSH D009386, MONDO:0015356.

Submissions (3):

Center for Genomic Medicine, Rigshospitalet, Copenhagen University Hospital
Classification: Uncertain significance. Last evaluated: 2025-03-04. Review status: criteria provided, single submitter. Criteria: ACMG Guidelines, 2015. Collection method: clinical testing. Allele origin: germline.

Ambry Genetics
Classification: Uncertain significance for Hereditary cancer-predisposing syndrome. Last evaluated: 2023-06-12. Review status: criteria provided, single submitter. Criteria: Ambry Variant Classification Scheme 2023. Collection method: clinical testing. Allele origin: germline.
Comment: The p.Y846D variant (also known as c.2536T>G), located in coding exon 18 of the MSH3 gene, results from a T to G substitution at nucleotide position 2536. The tyrosine at codon 846 is replaced by aspartic acid, an amino acid with highly dissimilar properties. This amino acid position is conserved. In addition, this alteration is predicted to be deleterious by in silico analysis. Since supporting evidence is limited at this time, the clinical significance of this alteration remains unclear.

Labcorp Genetics (formerly Invitae), Labcorp
Classification: Uncertain significance. Last evaluated: 2023-03-07. Review status: criteria provided, single submitter. Criteria: Invitae Variant Classification Sherloc (09022015). Collection method: clinical testing. Allele origin: germline.
Comment: An algorithm developed to predict the effect of missense changes on protein structure and function (PolyPhen-2) suggests that this variant is likely to be disruptive. In summary, the available evidence is currently insufficient to determine the role of this variant in disease. Therefore, it has been classified as a Variant of Uncertain Significance. ClinVar contains an entry for this variant (Variation ID: 863886). This sequence change replaces tyrosine, which is neutral and polar, with aspartic acid, which is acidic and polar, at codon 846 of the MSH3 protein (p.Tyr846Asp). This variant is not present in population databases (gnomAD no frequency). This variant has not been reported in the literature in individuals affected with MSH3-related conditions.

NM_002439.5(MSH3):c.2536T>G (p.Tyr846Asp)

Gene: MSH3 (mutS homolog 3; plus strand). Cytogenetic location: 5q14.1.
Variant type: single nucleotide variant.
Coding change: c.2536T>G on transcript NM_002439.5 (MANE Select); coding-DNA position 2536, T replaced by G.
Protein change: p.Tyr846Asp; replaces tyrosine 846 with aspartic acid.
Molecular consequence: missense variant.
Genome position (GRCh38, 1-based): chr5:80,787,665, T>G. VCF-style: chr5-80787665-T-G. GRCh37 (hg19) VCF-style: chr5-80083484-T-G.
Other names: c.2536T>G (NM_002439.3); short protein forms Y846D.
Identifiers: ClinVar variation 863886 (VCV000863886.13), dbSNP rs1744533534, ClinGen allele CA360283433.